The following is an entry in ClinVar:

NM_001035.3(RYR2):c.273+1_273+2insT

Gene: RYR2 (ryanodine receptor 2; plus strand). Cytogenetic location: 1q43.
Variant type: Insertion.
Coding change: c.273+1_273+2insT on transcript NM_001035.3 (MANE Select); the canonical splice donor site of the intron after coding-DNA position 273, T inserted.
Molecular consequence: splice donor variant.
Genome position: GRCh38 VCF-style: chr1-237330983-G-GT. GRCh37 (hg19) VCF-style: chr1-237494283-G-GT.
Identifiers: ClinVar variation 2640115 (VCV002640115.24), dbSNP rs2529156789, ClinGen allele CA2695200050.

ClinVar aggregate classification (germline): Uncertain significance (1 of 4 stars; one submission).

Submission:

CeGaT Center for Human Genetics Tuebingen
Classification: Uncertain significance. Last evaluated: 2023-07-01. Review status: criteria provided, single submitter. Criteria: CeGaT Center For Human Genetics Tuebingen Variant Classification Criteria Version 2. Collection method: clinical testing. Allele origin: germline. Affected: yes. Observed: 1 variant allele.
Comment: RYR2: PM2